The following is an entry in ClinVar:

ClinVar aggregate classification (germline): Likely pathogenic (1 of 4 stars; one submission).

Conditions:
Corticosterone methyl oxidase type II deficiency.

Submission:

Natera, Inc.
Classification: Likely pathogenic for Corticosterone methyl oxidase type II deficiency. Last evaluated: 2025-10-16. Review status: criteria provided, single submitter. Criteria: Natera Variant Classification Schema (03/2026). Collection method: clinical testing. Allele origin: germline.
Comment: The c.576del variant in CYP11B2 is a frameshift variant predicted to shift the reading frame beginning at codon 193 and leads to a stop codon 5 codons downstream. This variant is expected to result in nonsense mediated decay, truncation, or a dysfunctional protein product. This variant is rare in the general population with a frequency below the threshold expected for the associated phenotype(s). Given the available evidence, this variant is classified as Likely Pathogenic.

NM_000498.3(CYP11B2):c.576del (p.Phe193fs)

Genes: CYP11B2 (cytochrome P450 family 11 subfamily B member 2; minus strand), LOC106799834 (CYP11B2 recombination region; plus strand). Cytogenetic location: 8q24.3.
Variant type: Deletion.
Coding change: c.576del on transcript NM_000498.3 (MANE Select); coding-DNA position 576, one base deleted (C; older notation c.576delC).
Protein change: p.Phe193fs; shifts the reading frame from phenylalanine 193.
Molecular consequence: frameshift variant.
Genome position (GRCh38, 1-based): chr8:142,915,065, G deleted on the plus strand (C on the coding strand, the reverse complement: CYP11B2 is on the minus strand). VCF-style (leftmost placement, unchanged base first): chr8-142915064-AG-A. GRCh37 (hg19) VCF-style: chr8-143996480-AG-A.
Other names: short protein forms F193fs.
Identifiers: ClinVar variation 4818607 (VCV004818607.1).